The following is an entry in ClinVar:

NM_175875.5(SIX5):c.-45G>A

Genes: DM1-AS (DM1 locus antisense RNA; plus strand), SIX5 (SIX homeobox 5; minus strand), LOC107075317 (origin of replication in DMPK trinucleotide repeat region; plus strand). Cytogenetic location: 19q13.32.
Variant type: single nucleotide variant.
Coding change: c.-45G>A on transcript NM_175875.5 (MANE Select); 45 bases upstream of the start codon, G replaced by A.
Molecular consequence: 5 prime UTR variant.
Genome position (GRCh38, 1-based): chr19:45,768,889, C>T on the plus strand (G>A on the coding strand, the complement: SIX5 is on the minus strand). VCF-style: chr19-45768889-C-T. GRCh37 (hg19) VCF-style: chr19-46272147-C-T.
Identifiers: ClinVar variation 509132 (VCV000509132.1), dbSNP rs568324148, ClinGen allele CA9520883.

ClinVar aggregate classification (germline): Likely benign (1 of 4 stars; one submission).

Allele frequency attached by ClinVar (database versions not stated): ExAC 0.00028; gnomAD exomes 0.00037 and 0.00075; gnomAD 0.00348 and 0.00376; 1000 Genomes Project 0.00439; TOPMed 0.00443; 1000 Genomes Project 30x 0.00578.
gnomAD v4.1: 1,067 of 1,509,908 alleles (0.071%); highest among the groups gnomAD compares: African/African-American, 1.3%; 9 homozygotes.

Submission:

GeneDx
Classification: Likely benign. Last evaluated: 2018-01-31. Review status: criteria provided, single submitter. Criteria: GeneDx Variant Classification (06012015). Collection method: clinical testing. Allele origin: germline. Affected: yes.
Comment: This variant is considered likely benign or benign based on one or more of the following criteria: it is a conservative change, it occurs at a poorly conserved position in the protein, it is predicted to be benign by multiple in silico algorithms, and/or has population frequency not consistent with disease.